The following is an entry in ClinVar:

ClinVar aggregate classification (germline): Likely benign. Review status: criteria provided, multiple submitters, no conflicts (2 of 4 stars). 2 submissions from 2 submitters: Likely benign (2). Last evaluated 2024-12-26.

Conditions:
Spastic paraplegia. Identifiers: MedGen C0037772, HP:0001258.

Allele frequency attached by ClinVar (database versions not stated): gnomAD exomes below 0.00001; TOPMed below 0.00001; gnomAD 0.00001.
gnomAD v4.1: 6 of 1,613,610 alleles (0.00037%); highest among the groups gnomAD compares: Middle Eastern, 0.049%; no homozygotes.

Submissions (2):

Mayo Clinic Laboratories, Mayo Clinic
Classification: Likely benign. Last evaluated: 2024-12-26. Review status: criteria provided, single submitter. Criteria: ACMG Guidelines, 2015. Collection method: clinical testing. Allele origin: germline. Observed: 1 variant allele.
Comment: BP4, BP7

Labcorp Genetics (formerly Invitae), Labcorp
Classification: Likely benign for Spastic paraplegia. Last evaluated: 2024-01-16. Review status: criteria provided, single submitter. Criteria: Invitae Variant Classification Sherloc (09022015). Collection method: clinical testing. Allele origin: germline.

NM_024306.5(FA2H):c.342C>T (p.Phe114=)

Gene: FA2H (fatty acid 2-hydroxylase; minus strand). Cytogenetic location: 16q23.1.
Variant type: single nucleotide variant.
Coding change: c.342C>T on transcript NM_024306.5 (MANE Select); coding-DNA position 342, C replaced by T.
Protein change: p.Phe114=; no amino-acid change (phenylalanine 114 retained).
Molecular consequence: synonymous variant.
Genome position (GRCh38, 1-based): chr16:74,740,044, G>A on the plus strand (C>T on the coding strand, the complement: FA2H is on the minus strand). VCF-style: chr16-74740044-G-A. GRCh37 (hg19) VCF-style: chr16-74773942-G-A.
Other names: p.Phe114=.
Identifiers: ClinVar variation 2912395 (VCV002912395.4), dbSNP rs1962260411, ClinGen allele CA496548890.